The following is an entry in ClinVar:

ClinVar aggregate classification (germline): Likely pathogenic (1 of 4 stars; one submission).

Submission:

Dasa
Classification: Likely pathogenic. Last evaluated: 2025-12-29. Review status: criteria provided, single submitter. Criteria: DASA Assertion Criteria. Collection method: clinical testing. Allele origin: germline.
Comment: NM_025074.7(FRAS1):c.10756C>T (p.Gln3586*) is a nonsense variant in FRAS1 predicted to introduce a premature termination codon and is predicted to result in an absent or altered protein product. Loss of function is an established disease mechanism for FRAS1-associated disorders. Also, this variant is rare in population databases. Based on the currently available evidence, this variant is classified as likely pathogenic.

NM_025074.7(FRAS1):c.10756C>T (p.Gln3586Ter)

Gene: FRAS1 (Fraser extracellular matrix complex subunit 1; plus strand). Cytogenetic location: 4q21.21.
Variant type: single nucleotide variant.
Coding change: c.10756C>T on transcript NM_025074.7 (MANE Select); coding-DNA position 10756, C replaced by T.
Protein change: p.Gln3586Ter; replaces glutamine 3586 with a stop codon.
Molecular consequence: nonsense.
Genome position (GRCh38, 1-based): chr4:78,522,756, C>T. VCF-style: chr4-78522756-C-T. GRCh37 (hg19) VCF-style: chr4-79443910-C-T.
Other names: short protein forms Q3586*.
Identifiers: ClinVar variation 4886470 (VCV004886470.2).